The following is an entry in ClinVar:

ClinVar aggregate classification (germline): Benign. Review status: criteria provided, multiple submitters, no conflicts (2 of 4 stars). 2 submissions from 2 submitters: Benign (2). Last evaluated 2018-06-19.

Allele frequency attached by ClinVar (database versions not stated): gnomAD 0.04912 and 0.05181; gnomAD exomes 0.05524; TOPMed 0.06179; 1000 Genomes Project 30x 0.08120; 1000 Genomes Project 0.08147.
gnomAD v4.1: 87,930 of 1,602,100 alleles (5.5%); highest among the groups gnomAD compares: Admixed American, 21%; 4,009 homozygotes.

Submissions (2):

GeneDx
Classification: Benign. Last evaluated: 2018-06-19. Review status: criteria provided, single submitter. Criteria: GeneDx Variant Classification (06012015). Collection method: clinical testing. Allele origin: germline. Affected: yes.
Comment: This variant is considered likely benign or benign based on one or more of the following criteria: it is a conservative change, it occurs at a poorly conserved position in the protein, it is predicted to be benign by multiple in silico algorithms, and/or has population frequency not consistent with disease.

Breakthrough Genomics
Classification: Benign. Review status: criteria provided, single submitter. Criteria: ACMG Guidelines, 2015. Collection method: not provided. Allele origin: germline. Inheritance: Autosomal recessive inheritance. Affected: yes.

NM_001267550.2(TTN):c.7856-59A>T

Gene: TTN (titin; minus strand). Cytogenetic location: 2q31.2.
Variant type: single nucleotide variant.
Coding change: c.7856-59A>T on transcript NM_001267550.2 (MANE Select); 59 bases into the intron before coding-DNA position 7856, A replaced by T.
Molecular consequence: intron variant.
Genome position (GRCh38, 1-based): chr2:178,771,530, T>A on the plus strand (A>T on the coding strand, the complement: TTN is on the minus strand). VCF-style: chr2-178771530-T-A. GRCh37 (hg19) VCF-style: chr2-179636257-T-A.
Other names: c.7856-59A>T (NM_001256850.1, NM_133378.4, NM_133379.5); c.7718-59A>T (NM_003319.4, NM_133437.4, NM_133432.3).
Identifiers: ClinVar variation 671267 (VCV000671267.2), dbSNP rs2291305, ClinGen allele CA61005116.